The following is an entry in ClinVar:

NM_000245.4(MET):c.53T>G (p.Leu18Trp)

Gene: MET (MET proto-oncogene, receptor tyrosine kinase; plus strand). Cytogenetic location: 7q31.2.
Variant type: single nucleotide variant.
Coding change: c.53T>G on transcript NM_000245.4 (MANE Select); coding-DNA position 53, T replaced by G.
Protein change: p.Leu18Trp; replaces leucine 18 with tryptophan.
Molecular consequence: missense variant. On other transcripts: intron variant (1).
Genome position (GRCh38, 1-based): chr7:116,699,137, T>G. VCF-style: chr7-116699137-T-G. GRCh37 (hg19) VCF-style: chr7-116339191-T-G.
Other names: c.53T>G, p.Leu18Trp (NM_001127500.3, NM_001324401.3); c.-91+26560T>G (NM_001324402.2); short protein forms L18W.
Identifiers: ClinVar variation 4759791 (VCV004759791.1).

ClinVar aggregate classification (germline): Uncertain significance (1 of 4 stars; one submission).

Conditions:
Renal cell carcinoma. Identifiers: Orphanet 217071, MedGen C0007134, MeSH D002292, MONDO:0005086, HP:0005584.

gnomAD v4.1: 1 of 1,613,908 alleles (0.000062%); no homozygotes.

Submission:

Labcorp Genetics (formerly Invitae), Labcorp
Classification: Uncertain significance for Renal cell carcinoma. Last evaluated: 2025-03-11. Review status: criteria provided, single submitter. Criteria: Invitae Variant Classification Sherloc (09022015). Collection method: clinical testing. Allele origin: germline.
Comment: This sequence change replaces leucine, which is neutral and non-polar, with tryptophan, which is neutral and slightly polar, at codon 18 of the MET protein (p.Leu18Trp). This variant is not present in population databases (gnomAD no frequency). This variant has not been reported in the literature in individuals affected with MET-related conditions. Invitae Evidence Modeling of protein sequence and biophysical properties (such as structural, functional, and spatial information, amino acid conservation, physicochemical variation, residue mobility, and thermodynamic stability) has been performed for this missense variant. However, the output from this modeling did not meet the statistical confidence thresholds required to predict the impact of this variant on MET protein function. In summary, the available evidence is currently insufficient to determine the role of this variant in disease. Therefore, it has been classified as a Variant of Uncertain Significance.